The following is an entry in ClinVar:

NM_000179.3(MSH6):c.2004C>T (p.Ser668=)

Gene: MSH6 (mutS homolog 6; plus strand). Cytogenetic location: 2p16.3.
Variant type: single nucleotide variant.
Coding change: c.2004C>T on transcript NM_000179.3 (MANE Select); coding-DNA position 2004, C replaced by T.
Protein change: p.Ser668=; no amino-acid change (serine 668 retained).
Molecular consequence: synonymous variant.
Genome position (GRCh38, 1-based): chr2:47,799,987, C>T. VCF-style: chr2-47799987-C-T. GRCh37 (hg19) VCF-style: chr2-48027126-C-T.
Other names: c.1614C>T, p.Ser538= (NM_001281492.2); c.1098C>T, p.Ser366= (NM_001281493.2, NM_001281494.2).
Identifiers: ClinVar variation 923468 (VCV000923468.11), dbSNP rs766113887, ClinGen allele CA426121302.

ClinVar aggregate classification (germline): Benign/Likely benign. Review status: criteria provided, multiple submitters, no conflicts (2 of 4 stars). 4 submissions from 4 submitters: Benign (1); Likely benign (3). Last evaluated 2025-08-01.

Conditions:
Lynch syndrome 5 (LYNCH5). Also called: Colorectal cancer, hereditary nonpolyposis, type 5; Hereditary non-polyposis colorectal cancer, type 5. Identifiers: Orphanet 144, MedGen C1833477, MONDO:0013710, OMIM 614350. Disease mechanism: loss of function.
Hereditary cancer-predisposing syndrome. Also called: Neoplastic Syndromes, Hereditary; Tumor predisposition; Hereditary neoplastic syndrome; Hereditary Cancer Syndrome. Identifiers: Orphanet 140162, MedGen C0027672, MeSH D009386, MONDO:0015356.

Submissions (4):

CeGaT Center for Human Genetics Tuebingen
Classification: Likely benign. Last evaluated: 2025-08-01. Review status: criteria provided, single submitter. Criteria: CeGaT Center For Human Genetics Tuebingen Variant Classification Criteria Version 2. Collection method: clinical testing. Allele origin: germline. Affected: yes. Observed: 1 variant allele.
Comment: MSH6: BP4, BP7

Myriad Genetics, Inc.
Classification: Benign for Lynch syndrome 5. Last evaluated: 2024-12-30. Review status: criteria provided, single submitter. Criteria: Myriad Autosomal Dominant, Autosomal Recessive and X-Linked Classification Criteria (2023). Collection method: clinical testing. Allele origin: unknown.
Comment: This variant is considered benign. This variant is a silent/synonymous amino acid change and it is not expected to impact splicing.

Color Diagnostics, LLC DBA Color Health
Classification: Likely benign for Hereditary cancer-predisposing syndrome. Last evaluated: 2019-12-04. Review status: criteria provided, single submitter. Criteria: ACMG Guidelines, 2015. Collection method: clinical testing. Allele origin: germline.

Women's Health and Genetics/Laboratory Corporation of America, LabCorp
Classification: Likely benign. Last evaluated: 2019-11-20. Review status: criteria provided, single submitter. Criteria: LabCorp Variant Classification Summary - May 2015. Collection method: clinical testing. Allele origin: germline.